The following is an entry in ClinVar:

ClinVar aggregate classification (germline): Uncertain significance. Review status: criteria provided, multiple submitters, no conflicts (2 of 4 stars). 2 submissions from 2 submitters: Uncertain significance (2). Last evaluated 2025-07-01.

Conditions:
Inborn genetic diseases. Identifiers: MedGen C0950123, MeSH D030342.

gnomAD v4.1: 1 of 1,612,938 alleles (0.000062%); highest among the groups gnomAD compares: Non-Finnish European, 0.000085%; no homozygotes.

Submissions (2):

Ambry Genetics
Classification: Uncertain significance for Inborn genetic diseases. Last evaluated: 2025-07-01. Review status: criteria provided, single submitter. Criteria: Ambry Variant Classification Scheme 2023. Collection method: clinical testing. Allele origin: germline.

Labcorp Genetics (formerly Invitae), Labcorp
Classification: Uncertain significance. Last evaluated: 2025-05-05. Review status: criteria provided, single submitter. Criteria: Invitae Variant Classification Sherloc (09022015). Collection method: clinical testing. Allele origin: germline.
Comment: This sequence change replaces aspartic acid, which is acidic and polar, with asparagine, which is neutral and polar, at codon 416 of the ABCC6 protein (p.Asp416Asn). This variant is not present in population databases (gnomAD no frequency). This variant has not been reported in the literature in individuals affected with ABCC6-related conditions. ClinVar contains an entry for this variant (Variation ID: 1486454). Invitae Evidence Modeling of protein sequence and biophysical properties (such as structural, functional, and spatial information, amino acid conservation, physicochemical variation, residue mobility, and thermodynamic stability) indicates that this missense variant is expected to disrupt ABCC6 protein function with a positive predictive value of 95%. In summary, the available evidence is currently insufficient to determine the role of this variant in disease. Therefore, it has been classified as a Variant of Uncertain Significance.

NM_001171.6(ABCC6):c.1246G>A (p.Asp416Asn)

Gene: ABCC6 (ATP binding cassette subfamily C member 6; minus strand). Cytogenetic location: 16p13.11.
Variant type: single nucleotide variant.
Coding change: c.1246G>A on transcript NM_001171.6 (MANE Select); coding-DNA position 1246, G replaced by A.
Protein change: p.Asp416Asn; replaces aspartic acid 416 with asparagine.
Molecular consequence: missense variant. On other transcripts: non-coding transcript variant (1).
Genome position (GRCh38, 1-based): chr16:16,198,113, C>T on the plus strand (G>A on the coding strand, the complement: ABCC6 is on the minus strand). VCF-style: chr16-16198113-C-T. GRCh37 (hg19) VCF-style: chr16-16291970-C-T.
Other names: c.1246G>A (NM_001171.5); c.904G>A, p.Asp302Asn (NM_001351800.1); short protein forms D302N, D416N.
Identifiers: ClinVar variation 1486454 (VCV001486454.7), dbSNP rs2152278398, ClinGen allele CA394890333.